The following is an entry in ClinVar:

ClinVar aggregate classification (germline): Uncertain significance (1 of 4 stars; one submission).

Submission:

Labcorp Genetics (formerly Invitae), Labcorp
Classification: Uncertain significance. Last evaluated: 2025-03-18. Review status: criteria provided, single submitter. Criteria: Invitae Variant Classification Sherloc (09022015). Collection method: clinical testing. Allele origin: germline.
Comment: This sequence change replaces glycine, which is neutral and non-polar, with aspartic acid, which is acidic and polar, at codon 125 of the FOXL2 protein (p.Gly125Asp). This variant is not present in population databases (gnomAD no frequency). This missense change has been observed in individual(s) with blepharophimosis (PMID: 33796131). An algorithm developed to predict the effect of missense changes on protein structure and function (PolyPhen-2) suggests that this variant is likely to be disruptive. In summary, the available evidence is currently insufficient to determine the role of this variant in disease. Therefore, it has been classified as a Variant of Uncertain Significance.

Literature cited by the submitters: PubMed 33796131.

NM_023067.4(FOXL2):c.374G>A (p.Gly125Asp)

Gene: FOXL2 (forkhead box L2; minus strand). Cytogenetic location: 3q22.3.
Variant type: single nucleotide variant.
Coding change: c.374G>A on transcript NM_023067.4 (MANE Select); coding-DNA position 374, G replaced by A.
Protein change: p.Gly125Asp; replaces glycine 125 with aspartic acid.
Molecular consequence: missense variant.
Genome position (GRCh38, 1-based): chr3:138,946,349, C>T on the plus strand (G>A on the coding strand, the complement: FOXL2 is on the minus strand). VCF-style: chr3-138946349-C-T. GRCh37 (hg19) VCF-style: chr3-138665191-C-T.
Other names: short protein forms G125D.
Identifiers: ClinVar variation 4763774 (VCV004763774.1).
Genomic context (GRCh38, chr3:138,946,349, plus strand): 5'-CGCCGGTAGTTGCCCTTCTCGAACATGTCTTCGCAGGCCGGGTCCAGCGTCCAGTAGTTG[C>T]CCTTGCGCTCGCCGCCGCCCTCGCGCGGCACCTTGATGAAGCACTCGTTGAGGCTGAGGT-3'
Protein context (NP_075555.1, residues 115-135): VPREGGGERK[Gly125Asp]NYWTLDPACE